The following is an entry in ClinVar:

ClinVar aggregate classification (germline): Pathogenic (1 of 4 stars; one submission).

Conditions:
Metachromatic leukodystrophy (MLD). Also called: SULFATIDE LIPIDOSIS; ARSA DEFICIENCY; CEREBROSIDE SULFATASE DEFICIENCY; METACHROMATIC LEUKOENCEPHALOPATHY; Arylsulfatase A Deficiency; Cerebral sclerosis diffuse metachromatic form. Identifiers: Orphanet 512, MedGen C0023522, MONDO:0018868, OMIM 250100.

Submission:

Labcorp Genetics (formerly Invitae), Labcorp
Classification: Pathogenic for Metachromatic leukodystrophy. Last evaluated: 2025-07-07. Review status: criteria provided, single submitter. Criteria: Invitae Variant Classification Sherloc (09022015). Collection method: clinical testing. Allele origin: germline.
Comment: This sequence change creates a premature translational stop signal (p.Pro349Hisfs*74) in the ARSA gene. While this is not anticipated to result in nonsense mediated decay, it is expected to disrupt the last 161 amino acid(s) of the ARSA protein. This variant is not present in population databases (gnomAD no frequency). This premature translational stop signal has been observed in individual(s) with metachromatic leukodystrophy (PMID: 10220151). ClinVar contains an entry for this variant (Variation ID: 661357). Experimental studies and prediction algorithms are not available or were not evaluated, and the functional significance of this variant is currently unknown. This variant disrupts the p.Glu384 amino acid residue in ARSA. Other variant(s) that disrupt this residue have been determined to be pathogenic (PMID: 7906588, 15375602, 19021637, 20339381, 26462614). This suggests that this residue is clinically significant, and that variants that disrupt this residue are likely to be disease-causing. For these reasons, this variant has been classified as Pathogenic.

Literature cited by the submitters: PubMed 10220151; PubMed 7906588; PubMed 15375602; PubMed 19021637; PubMed 20339381; PubMed 26462614.

NM_000487.6(ARSA):c.1046del (p.Pro349fs)

Gene: ARSA (arylsulfatase A; minus strand). Cytogenetic location: 22q13.33.
Variant type: Deletion.
Coding change: c.1046del on transcript NM_000487.6 (MANE Select); coding-DNA position 1046, one base deleted (C; older notation c.1046delC).
Protein change: p.Pro349fs; shifts the reading frame from proline 349.
Molecular consequence: frameshift variant.
Genome position (GRCh38, 1-based): chr22:50,625,997, G deleted on the plus strand (C on the coding strand, the reverse complement: ARSA is on the minus strand); the first of 4 consecutive G bases (chr22:50,625,997-50,626,000); deleting any one gives the same sequence. VCF-style (leftmost placement, unchanged base first): chr22-50625996-TG-T. GRCh37 (hg19) VCF-style: chr22-51064424-TG-T.
Other names: c.1046del, p.Pro349fs (NM_001085425.3, NM_001085426.3, NM_001085427.3); c.788del, p.Pro263fs (NM_001085428.3, NM_001362782.2); c.1046delC (NM_000487.5); short protein forms P263fs, P349fs.
Identifiers: ClinVar variation 661357 (VCV000661357.8), dbSNP rs1603444908, ClinGen allele CA915952824.